The following is an entry in ClinVar:

ClinVar aggregate classification (germline): Likely benign. Review status: criteria provided, multiple submitters, no conflicts (2 of 4 stars). 2 submissions from 2 submitters: Likely benign (2). Last evaluated 2025-08-04.

Conditions:
ABCB11-related disorder. Also called: ABCB11-related condition.

Allele frequency attached by ClinVar (database versions not stated): gnomAD exomes below 0.00001; gnomAD 0.00001; TOPMed 0.00001.
gnomAD v4.1: 3 of 1,612,870 alleles (0.00019%); highest among the groups gnomAD compares: Non-Finnish European, 0.00025%; no homozygotes.

Submissions (2):

PreventionGenetics, part of Exact Sciences
Classification: Likely benign for ABCB11-related condition. Last evaluated: 2025-08-04. Review status: criteria provided, single submitter. Criteria: ACMG Guidelines, 2015. Collection method: clinical testing. Allele origin: germline.
Comment: This variant is classified as likely benign based on ACMG/AMP sequence variant interpretation guidelines (Richards et al. 2015 PMID: 25741868, with internal and published modifications).

Labcorp Genetics (formerly Invitae), Labcorp
Classification: Likely benign. Last evaluated: 2023-11-08. Review status: criteria provided, single submitter. Criteria: Invitae Variant Classification Sherloc (09022015). Collection method: clinical testing. Allele origin: germline.

NM_003742.4(ABCB11):c.1711A>C (p.Arg571=)

Gene: ABCB11 (ATP binding cassette subfamily B member 11; minus strand). Cytogenetic location: 2q31.1.
Variant type: single nucleotide variant.
Coding change: c.1711A>C on transcript NM_003742.4 (MANE Select); coding-DNA position 1711, A replaced by C.
Protein change: p.Arg571=; no amino-acid change (arginine 571 retained).
Molecular consequence: synonymous variant.
Genome position (GRCh38, 1-based): chr2:168,970,143, T>G on the plus strand (A>C on the coding strand, the complement: ABCB11 is on the minus strand). VCF-style: chr2-168970143-T-G. GRCh37 (hg19) VCF-style: chr2-169826653-T-G.
Other names: c.1711A>C (NM_003742.2).
Identifiers: ClinVar variation 1666872 (VCV001666872.9), dbSNP rs1175336714, ClinGen allele CA429914403.
Genomic context (GRCh38, chr2:168,970,143, plus strand): 5'-TGTCCAGAGCTGAGGTGGCCATGTCCAAAAGCAGAATCTTGGGATTTCGGATGAGGGCTC[T>G]GGCGATAGCTACCCTTTGTTTCTGGCCACCACTCATCTGGCCTCCTCCTTCTCCAACAAG-3'
Protein context (NP_003733.2, residues 561-581): GGQKQRVAIA[Arg571=]ALIRNPKILL